The following is an entry in ClinVar:

ClinVar aggregate classification (germline): Pathogenic. Review status: criteria provided, multiple submitters, no conflicts (2 of 4 stars). 2 submissions from 2 submitters: Pathogenic (2). Last evaluated 2025-07-06.

Allele frequency attached by ClinVar (database versions not stated): gnomAD 0.00001; TOPMed 0.00001; gnomAD exomes 0.00001.
gnomAD v4.1: 20 of 1,613,256 alleles (0.0012%); highest among the groups gnomAD compares: Middle Eastern, 0.016%; no homozygotes.

Submissions (2):

Labcorp Genetics (formerly Invitae), Labcorp
Classification: Pathogenic. Last evaluated: 2025-07-06. Review status: criteria provided, single submitter. Criteria: Invitae Variant Classification Sherloc (09022015). Collection method: clinical testing. Allele origin: germline.
Comment: This sequence change creates a premature translational stop signal (p.Trp160*) in the GP6 gene. It is expected to result in an absent or disrupted protein product. Loss-of-function variants in GP6 are known to be pathogenic (PMID: 16139873, 23815599). This variant is present in population databases (no rsID available, gnomAD 0.003%). This variant has not been reported in the literature in individuals affected with GP6-related conditions. ClinVar contains an entry for this variant (Variation ID: 287607). For these reasons, this variant has been classified as Pathogenic.

Eurofins Ntd Llc (ga)
Classification: Pathogenic. Last evaluated: 2016-05-02. Review status: criteria provided, single submitter. Criteria: EGL Classification Definitions 2015. Collection method: clinical testing. Allele origin: germline. Observed: 2 variant alleles, 2 heterozygotes.

Literature cited by the submitters: PubMed 16139873 (cited by Labcorp Genetics (formerly Invitae), Labcorp); PubMed 23815599 (cited by Labcorp Genetics (formerly Invitae), Labcorp).

NM_016363.5(GP6):c.479G>A (p.Trp160Ter)

Gene: GP6 (glycoprotein VI platelet; minus strand). Cytogenetic location: 19q13.42.
Variant type: single nucleotide variant.
Coding change: c.479G>A on transcript NM_016363.5 (MANE Select); coding-DNA position 479, G replaced by A.
Protein change: p.Trp160Ter; replaces tryptophan 160 with a stop codon.
Molecular consequence: nonsense.
Genome position (GRCh38, 1-based): chr19:55,027,709, C>T on the plus strand (G>A on the coding strand, the complement: GP6 is on the minus strand). VCF-style: chr19-55027709-C-T. GRCh37 (hg19) VCF-style: chr19-55539077-C-T.
Other names: c.479G>A, p.Trp160Ter (NM_001083899.2, NM_001256017.2, LRG_560t3 and 2 more transcripts); short protein forms W160*.
Identifiers: ClinVar variation 287607 (VCV000287607.8), dbSNP rs886043669, ClinGen allele CA310130129.